The following is an entry in ClinVar:

ClinVar aggregate classification (germline): Uncertain significance (1 of 4 stars; one submission).

Submission:

OLLIN Analises Genomicas, OLLIN
Classification: Uncertain significance. Last evaluated: 2026-08-06. Review status: criteria provided, single submitter. Criteria: ACMG Guidelines 2015 PMID 25741868. Collection method: clinical testing. Allele origin: germline.
Comment: This missense variant, located in exon 12 (of 24), is absent from gnomAD and ClinVar and has not been identified in the literature. In silico analysis predicts that this variant has a tolerated effect. According to the currently available evidence, this variant has been classified as uncertain significance (PM2_P, BP4).

NM_016148.5(SHANK1):c.1705G>A (p.Ala569Thr)

Gene: SHANK1 (SH3 and multiple ankyrin repeat domains 1; minus strand). Cytogenetic location: 19q13.33.
Variant type: single nucleotide variant.
Coding change: c.1705G>A on transcript NM_016148.5 (MANE Select); coding-DNA position 1705, G replaced by A.
Protein change: p.Ala569Thr; replaces alanine 569 with threonine.
Molecular consequence: missense variant.
Genome position (GRCh38, 1-based): chr19:50,702,509, C>T on the plus strand (G>A on the coding strand, the complement: SHANK1 is on the minus strand). VCF-style: chr19-50702509-C-T. GRCh37 (hg19) VCF-style: chr19-51205766-C-T.
Other names: short protein forms A569T.
Identifiers: ClinVar variation 5002827 (VCV005002827.1).